The following is an entry in ClinVar:

NM_001042492.3(NF1):c.1868A>G (p.His623Arg)

Gene: NF1 (neurofibromin 1; plus strand). Cytogenetic location: 17q11.2.
Variant type: single nucleotide variant.
Coding change: c.1868A>G on transcript NM_001042492.3 (MANE Select); coding-DNA position 1868, A replaced by G.
Protein change: p.His623Arg; replaces histidine 623 with arginine.
Molecular consequence: missense variant.
Genome position (GRCh38, 1-based): chr17:31,225,117, A>G. VCF-style: chr17-31225117-A-G. GRCh37 (hg19) VCF-style: chr17-29552135-A-G.
Other names: c.1868A>G, p.His623Arg (NM_000267.4); short protein forms H623R.
Identifiers: ClinVar variation 457550 (VCV000457550.14), dbSNP rs1555613555, ClinGen allele CA399005106.

ClinVar aggregate classification (germline): Conflicting classifications of pathogenicity. Review status: criteria provided, conflicting classifications (1 of 4 stars). 3 submissions from 3 submitters: Uncertain significance (2); Likely benign (1). Last evaluated 2025-07-31.

Conditions:
Neurofibromatosis, type 1 (NF1). Also called: VON RECKLINGHAUSEN DISEASE; NEUROFIBROMATOSIS, TYPE I, SOMATIC; Peripheral type neurofibromatosis; Neurofibromatosis, type I. Identifiers: Orphanet 636, MedGen C0027831, MONDO:0018975, OMIM 162200. Disease mechanism: loss of function.
Cardiovascular phenotype. Identifiers: MedGen CN230736.
Hereditary cancer-predisposing syndrome. Also called: Hereditary Cancer Syndrome; Hereditary neoplastic syndrome; Tumor predisposition; Neoplastic Syndromes, Hereditary. Identifiers: Orphanet 140162, MedGen C0027672, MeSH D009386, MONDO:0015356.

Allele frequency attached by ClinVar (database versions not stated): gnomAD exomes below 0.00001.
gnomAD v4.1: 2 of 1,613,680 alleles (0.00012%); highest among the groups gnomAD compares: Non-Finnish European, 0.000085%; no homozygotes.

Submissions (3):

Labcorp Genetics (formerly Invitae), Labcorp
Classification: Likely benign for Neurofibromatosis, type 1. Last evaluated: 2025-07-31. Review status: criteria provided, single submitter. Criteria: Invitae Variant Classification Sherloc (09022015). Collection method: clinical testing. Allele origin: germline.

Ambry Genetics
Classification: Uncertain significance for Cardiovascular phenotype; Hereditary cancer-predisposing syndrome. Last evaluated: 2025-04-18. Review status: criteria provided, single submitter. Criteria: Ambry Variant Classification Scheme 2023. Collection method: clinical testing. Allele origin: germline.
Comment: The p.H623R variant (also known as c.1868A>G), located in coding exon 17 of the NF1 gene, results from an A to G substitution at nucleotide position 1868. The histidine at codon 623 is replaced by arginine, an amino acid with highly similar properties. This amino acid position is highly conserved in available vertebrate species. In addition, this alteration is predicted to be tolerated by in silico analysis. Since supporting evidence is limited at this time, the clinical significance of this alteration remains unclear.

Genome-Nilou Lab
Classification: Uncertain significance for Neurofibromatosis, type 1. Last evaluated: 2022-03-15. Review status: criteria provided, single submitter. Criteria: ACMG Guidelines, 2015. Collection method: clinical testing. Allele origin: germline. Affected: no.